The following is an entry in ClinVar:

NM_020738.4(KIDINS220):c.2195A>G (p.Lys732Arg)

Gene: KIDINS220 (kinase D interacting substrate 220; minus strand). Cytogenetic location: 2p25.1.
Variant type: single nucleotide variant.
Coding change: c.2195A>G on transcript NM_020738.4 (MANE Select); coding-DNA position 2195, A replaced by G.
Protein change: p.Lys732Arg; replaces lysine 732 with arginine.
Molecular consequence: missense variant. On other transcripts: non-coding transcript variant (2).
Genome position (GRCh38, 1-based): chr2:8,785,775, T>C on the plus strand (A>G on the coding strand, the complement: KIDINS220 is on the minus strand). VCF-style: chr2-8785775-T-C. GRCh37 (hg19) VCF-style: chr2-8925905-T-C.
Other names: c.2198A>G, p.Lys733Arg (NM_001348729.2, NM_001348731.2, NM_001348734.2 and 3 more transcripts); c.2195A>G, p.Lys732Arg (NM_001348732.2, NM_001348735.2, NM_001348738.2 and 3 more transcripts); c.2069A>G, p.Lys690Arg (NM_001348736.2); short protein forms K732R, K733R, K690R.
Identifiers: ClinVar variation 4768655 (VCV004768655.1).
Genomic context (GRCh38, chr2:8,785,775, plus strand): 5'-TTTTCTAATAACCAATGAGTGCTTACTTTCATGAATCCTTCACTTTTCAATTTGTGCAGT[T>C]TGGAGGCTGCATTATGGAGGCGTTTTCTTTGGGAATTCAGGAGCGAGTCCAGCACTTGCC-3'
Protein context (NP_065789.1, residues 722-742): QRKRLHNAAS[Lys732Arg]LHKLKSEGFM

ClinVar aggregate classification (germline): Uncertain significance (1 of 4 stars; one submission).

gnomAD v4.1: 5 of 1,613,230 alleles (0.00031%); highest among the groups gnomAD compares: Non-Finnish European, 0.00042%; no homozygotes.

Submission:

Labcorp Genetics (formerly Invitae), Labcorp
Classification: Uncertain significance. Last evaluated: 2026-01-06. Review status: criteria provided, single submitter. Criteria: Invitae Variant Classification Sherloc (09022015). Collection method: clinical testing. Allele origin: germline.
Comment: This sequence change replaces lysine, which is basic and polar, with arginine, which is basic and polar, at codon 732 of the KIDINS220 protein (p.Lys732Arg). The frequency data for this variant in the population databases is considered unreliable, as metrics indicate poor data quality at this position in the gnomAD database. This variant has not been reported in the literature in individuals affected with KIDINS220-related conditions. An algorithm developed to predict the effect of missense changes on protein structure and function outputs the following: PolyPhen-2: "Benign". The arginine amino acid residue is found in multiple mammalian species, which suggests that this missense change does not adversely affect protein function. In summary, the available evidence is currently insufficient to determine the role of this variant in disease. Therefore, it has been classified as a Variant of Uncertain Significance.